The following is an entry in ClinVar:

NM_001999.4(FBN2):c.1849+149A>G

Gene: FBN2 (fibrillin 2; minus strand). Cytogenetic location: 5q23.3.
Variant type: single nucleotide variant.
Coding change: c.1849+149A>G on transcript NM_001999.4 (MANE Select); 149 bases into the intron after coding-DNA position 1849, A replaced by G.
Molecular consequence: intron variant.
Genome position (GRCh38, 1-based): chr5:128,377,603, T>C on the plus strand (A>G on the coding strand, the complement: FBN2 is on the minus strand). VCF-style: chr5-128377603-T-C. GRCh37 (hg19) VCF-style: chr5-127713296-T-C.
Identifiers: ClinVar variation 675673 (VCV000675673.1), dbSNP rs112258148, ClinGen allele CA12009934.

ClinVar aggregate classification (germline): Likely benign (1 of 4 stars; one submission).

Allele frequency attached by ClinVar (database versions not stated): gnomAD exomes 0.01211; 1000 Genomes Project 0.01757; 1000 Genomes Project 30x 0.01827; gnomAD 0.01971 and 0.02041; TOPMed 0.02114.
gnomAD v4.1: 11,611 of 856,238 alleles (1.4%); highest among the groups gnomAD compares: African/African-American, 4.1%; 132 homozygotes.

Submission:

GeneDx
Classification: Likely benign. Last evaluated: 2018-06-16. Review status: criteria provided, single submitter. Criteria: GeneDx Variant Classification (06012015). Collection method: clinical testing. Allele origin: germline. Affected: yes.
Comment: This variant is considered likely benign or benign based on one or more of the following criteria: it is a conservative change, it occurs at a poorly conserved position in the protein, it is predicted to be benign by multiple in silico algorithms, and/or has population frequency not consistent with disease.